The following is an entry in ClinVar:

NM_002764.4(PRPS1):c.817A>G (p.Asn273Asp)

Gene: PRPS1 (phosphoribosyl pyrophosphate synthetase 1; plus strand). Cytogenetic location: Xq22.3.
Variant type: single nucleotide variant.
Coding change: c.817A>G on transcript NM_002764.4 (MANE Select); coding-DNA position 817, A replaced by G.
Protein change: p.Asn273Asp; replaces asparagine 273 with aspartic acid.
Molecular consequence: missense variant.
Genome position (GRCh38, 1-based): chrX:107,647,718, A>G. VCF-style: chrX-107647718-A-G. GRCh37 (hg19) VCF-style: chrX-106890948-A-G.
Other names: c.205A>G, p.Asn69Asp (NM_001204402.2); short protein forms N273D, N69D.
Identifiers: ClinVar variation 3667517 (VCV003667517.2).

ClinVar aggregate classification (germline): Uncertain significance (1 of 4 stars; one submission).

Conditions:
Charcot-Marie-Tooth Neuropathy X. Identifiers: MedGen CN118851.

Submission:

Labcorp Genetics (formerly Invitae), Labcorp
Classification: Uncertain significance for Charcot-Marie-Tooth Neuropathy X. Last evaluated: 2024-10-07. Review status: criteria provided, single submitter. Criteria: Invitae Variant Classification Sherloc (09022015). Collection method: clinical testing. Allele origin: germline.
Comment: This sequence change replaces asparagine, which is neutral and polar, with aspartic acid, which is acidic and polar, at codon 273 of the PRPS1 protein (p.Asn273Asp). This variant is not present in population databases (gnomAD no frequency). This variant has not been reported in the literature in individuals affected with PRPS1-related conditions. Invitae Evidence Modeling of protein sequence and biophysical properties (such as structural, functional, and spatial information, amino acid conservation, physicochemical variation, residue mobility, and thermodynamic stability) indicates that this missense variant is not expected to disrupt PRPS1 protein function with a negative predictive value of 80%. In summary, the available evidence is currently insufficient to determine the role of this variant in disease. Therefore, it has been classified as a Variant of Uncertain Significance.